The following is an entry in ClinVar:

ClinVar aggregate classification (germline): Uncertain significance (1 of 4 stars; one submission).

Submission:

Women's Health and Genetics/Laboratory Corporation of America, LabCorp
Classification: Uncertain significance. Last evaluated: 2025-09-29. Review status: criteria provided, single submitter. Criteria: LabCorp Variant Classification Summary - May 2015. Collection method: clinical testing. Allele origin: germline.
Comment: Variant summary: The variant involves the duplication of exons 1-9 in the COQ9 gene. A presumed nomenclature of c.(?_-28)_(*647_?)dup has been designated for the purposes of this classification. This duplication includes the entire coding sequence of the gene. As exact breakpoints are unknown, it may extend beyond the annotated region of the gene, to include other flanking genes. The variant was absent in 21634 control chromosomes. The available data on variant occurrences in the general population are insufficient to allow any conclusion about variant significance. To our knowledge, no occurrence of c.(?_-28)_(*647_?)dup in individuals affected with COQ9-related conditions and no experimental evidence demonstrating its impact on protein function have been reported. No submitters have cited clinical-significance assessments for this variant to ClinVar. Based on the evidence outlined above, the variant was classified as uncertain significance.

NC_000016.9:g.(?_57481390)_(57495183_?)dup

Gene: COQ9 (coenzyme Q9; plus strand). Cytogenetic location: 16q21.
Variant type: Duplication.
Identifiers: ClinVar variation 4535684 (VCV004535684.1).